The following is an entry in ClinVar:

ClinVar aggregate classification (germline): Uncertain significance (1 of 4 stars; one submission).

Conditions:
Peroxisome biogenesis disorder 2B (PBD2B). Identifiers: Orphanet 44, MedGen C3550234, MONDO:0008736, OMIM 202370.

Allele frequency attached by ClinVar (database versions not stated): gnomAD exomes below 0.00001; ExAC 0.00001.
gnomAD v4.1: 7 of 1,614,084 alleles (0.00043%); highest among the groups gnomAD compares: East Asian, 0.0022%; no homozygotes.

Submission:

Labcorp Genetics (formerly Invitae), Labcorp
Classification: Uncertain significance for Peroxisome biogenesis disorder 2B. Last evaluated: 2021-09-01. Review status: criteria provided, single submitter. Criteria: Invitae Variant Classification Sherloc (09022015). Collection method: clinical testing. Allele origin: germline.
Comment: This sequence change replaces arginine with cysteine at codon 77 of the PEX5 protein (p.Arg77Cys). The arginine residue is weakly conserved and there is a large physicochemical difference between arginine and cysteine. This variant is present in population databases (rs768373250, ExAC 0.001%). This variant has not been reported in the literature in individuals affected with PEX5-related conditions. Algorithms developed to predict the effect of missense changes on protein structure and function (SIFT, PolyPhen-2, Align-GVGD) all suggest that this variant is likely to be tolerated. In summary, the available evidence is currently insufficient to determine the role of this variant in disease. Therefore, it has been classified as a Variant of Uncertain Significance.

NM_001351132.2(PEX5):c.229C>T (p.Arg77Cys)

Gene: PEX5 (peroxisomal biogenesis factor 5; plus strand). Cytogenetic location: 12p13.31.
Variant type: single nucleotide variant.
Coding change: c.229C>T on transcript NM_001351132.2 (MANE Select); coding-DNA position 229, C replaced by T.
Protein change: p.Arg77Cys; replaces arginine 77 with cysteine.
Molecular consequence: missense variant.
Genome position (GRCh38, 1-based): chr12:7,191,271, C>T. VCF-style: chr12-7191271-C-T. GRCh37 (hg19) VCF-style: chr12-7343867-C-T.
Other names: c.229C>T, p.Arg77Cys (NM_000319.5, NM_001131024.2, NM_001131025.2 and 19 more transcripts); c.274C>T, p.Arg92Cys (NM_001131023.2, NM_001351135.3, NM_001351138.2); short protein forms R77C, R92C.
Identifiers: ClinVar variation 1356401 (VCV001356401.5), dbSNP rs768373250, ClinGen allele CA6426067.
Genomic context (GRCh38, chr12:7,191,271, plus strand): 5'-TTTCCCTTCTGGCAGTTGGTGGCTGAATTCCTGCAGGACCAGAATGCACCCCTTGTGTCC[C>T]GTGCCCCTCAGACCTTCAAGATGGATGACCTCCTGGCTGAGATGCAGCAGATTGAGCAGT-3'
Protein context (NP_001338061.1, residues 67-87): LQDQNAPLVS[Arg77Cys]APQTFKMDDL